The following is an entry in ClinVar:

ClinVar aggregate classification (germline): Uncertain significance (1 of 4 stars; one submission).

Conditions:
Cardiovascular phenotype. Identifiers: MedGen CN230736.

Submission:

Ambry Genetics
Classification: Uncertain significance for Cardiovascular phenotype. Last evaluated: 2019-05-01. Review status: criteria provided, single submitter. Criteria: Ambry Variant Classification Scheme 2023. Collection method: clinical testing. Allele origin: germline.
Comment: The p.Q5380E variant (also known as c.16138C>G), located in coding exon 62 of the TTN gene, results from a C to G substitution at nucleotide position 16138. The glutamine at codon 5380 is replaced by glutamic acid, an amino acid with highly similar properties. This amino acid position is highly conserved in available vertebrate species. In addition, this alteration is predicted to be tolerated by in silico analysis. Since supporting evidence is limited at this time, the clinical significance of this alteration remains unclear.

NM_001267550.2(TTN):c.43333C>G (p.Gln14445Glu)

Gene: TTN (titin; minus strand). Cytogenetic location: 2q31.2.
Variant type: single nucleotide variant.
Coding change: c.43333C>G on transcript NM_001267550.2 (MANE Select); coding-DNA position 43333, C replaced by G.
Protein change: p.Gln14445Glu; replaces glutamine 14445 with glutamic acid.
Molecular consequence: missense variant.
Genome position (GRCh38, 1-based): chr2:178,632,673, G>C on the plus strand (C>G on the coding strand, the complement: TTN is on the minus strand). VCF-style: chr2-178632673-G-C. GRCh37 (hg19) VCF-style: chr2-179497400-G-C.
Other names: c.38410C>G, p.Gln12804Glu (NM_001256850.1); c.16138C>G, p.Gln5380Glu (NM_003319.4); c.35629C>G, p.Gln11877Glu (NM_133378.4); c.16513C>G, p.Gln5505Glu (NM_133432.3); c.16714C>G, p.Gln5572Glu (NM_133437.4); short protein forms Q5380E, Q5505E, Q11877E, Q5572E, Q12804E, Q14445E.
Identifiers: ClinVar variation 1776437 (VCV001776437.2), dbSNP rs2471474087, ClinGen allele CA349651188.